The following is an entry in ClinVar:

ClinVar aggregate classification (germline): Benign/Likely benign. Review status: criteria provided, single submitter (1 of 4 stars). 2 submissions from 1 submitter: Benign (1); Likely benign (1). Last evaluated 2018-01-13.

Conditions:
Angiokeratoma corporis diffusum with arteriovenous fistulas. Identifiers: MedGen C1838141, MONDO:0010885, OMIM 600419.
Cerebral cavernous malformation (CCM). Also called: CAVERNOUS ANGIOMA, FAMILIAL; CAVERNOUS ANGIOMATOUS MALFORMATIONS; CEREBRAL CAPILLARY MALFORMATIONS; Cerebral cavernous malformations; Cavernous Hemangioma of Brain; Cerebral cavernous hemangioma (type). Identifiers: Orphanet 221061, MedGen C2919945, MONDO:0000820, OMIM 116860, HP:0033522.

Allele frequency attached by ClinVar (database versions not stated): TOPMed 0.00013; gnomAD 0.00016 and 0.00019; 1000 Genomes Project 30x 0.00031; gnomAD exomes 0.00031; 1000 Genomes Project 0.00040.
gnomAD v4.1: 125 of 468,072 alleles (0.027%); highest among the groups gnomAD compares: South Asian, 0.11%; 1 homozygote.

Submissions (2):

Illumina Laboratory Services, Illumina
Classification: Benign for Angiokeratoma corporis diffusum with arteriovenous fistulas. Last evaluated: 2018-01-13. Review status: criteria provided, single submitter. Criteria: ICSL Variant Classification Criteria 13 December 2019. Collection method: clinical testing. Allele origin: germline.
Comment: This variant was observed in the ICSL laboratory as part of a predisposition screen in an ostensibly healthy population. It had not been previously curated by ICSL or reported in the Human Gene Mutation Database (HGMD: prior to June 1st, 2018), and was therefore a candidate for classification through an automated scoring system. Utilizing variant allele frequency, disease prevalence and penetrance estimates, and inheritance mode, an automated score was calculated to assess if this variant is too frequent to cause the disease. Based on the score and internal cut-off values, a variant classified as benign is not then subjected to further curation. The score for this variant resulted in a classification of benign for this disease.

Illumina Laboratory Services, Illumina
Classification: Likely benign for Cerebral cavernous malformation. Last evaluated: 2018-01-13. Review status: criteria provided, single submitter. Criteria: ICSL Variant Classification Criteria 13 December 2019. Collection method: clinical testing. Allele origin: germline.
Comment: This variant was observed in the ICSL laboratory as part of a predisposition screen in an ostensibly healthy population. It had not been previously curated by ICSL or reported in the Human Gene Mutation Database (HGMD: prior to June 1st, 2018), and was therefore a candidate for classification through an automated scoring system. Utilizing variant allele frequency, disease prevalence and penetrance estimates, and inheritance mode, an automated score was calculated to assess if this variant is too frequent to cause the disease. Based on the score and internal cut-off values, a variant classified as likely benign is not then subjected to further curation. The score for this variant resulted in a classification of likely benign for this disease.

NM_194454.3(KRIT1):c.*234G>A

Gene: KRIT1 (KRIT1 ankyrin repeat containing; minus strand). Cytogenetic location: 7q21.2.
Variant type: single nucleotide variant.
Coding change: c.*234G>A on transcript NM_194454.3 (MANE Select); 234 bases downstream of the stop codon, G replaced by A.
Molecular consequence: 3 prime UTR variant.
Genome position (GRCh38, 1-based): chr7:92,200,502, C>T on the plus strand (G>A on the coding strand, the complement: KRIT1 is on the minus strand). VCF-style: chr7-92200502-C-T. GRCh37 (hg19) VCF-style: chr7-91829816-C-T.
Other names: c.*234G>A (NM_001013406.2, NM_001350669.1, NM_001350670.1 and 30 more transcripts).
Identifiers: ClinVar variation 910228 (VCV000910228.4), dbSNP rs574668355, ClinGen allele CA161929385.